The following is an entry in ClinVar:

NM_001033044.4(GLUL):c.*919A>G

Gene: GLUL (glutamate-ammonia ligase; minus strand). Cytogenetic location: 1q25.3.
Variant type: single nucleotide variant.
Coding change: c.*919A>G on transcript NM_001033044.4 (MANE Select); 919 bases downstream of the stop codon, A replaced by G.
Molecular consequence: 3 prime UTR variant.
Genome position (GRCh38, 1-based): chr1:182,383,486, T>C on the plus strand (A>G on the coding strand, the complement: GLUL is on the minus strand). VCF-style: chr1-182383486-T-C. GRCh37 (hg19) VCF-style: chr1-182352621-T-C.
Other names: c.*919A>G (NM_001033056.4, NM_002065.7).
Identifiers: ClinVar variation 293925 (VCV000293925.6), dbSNP rs7734, ClinGen allele CA10608380.
Genomic context (GRCh38, chr1:182,383,486, plus strand): 5'-GTGGACAAGTGTGTCTTTTAAACCAAAGCCACGGAGATCAAGTGACTGCTAGTAACGTGT[T>C]GTCTGTTAACTAATCCAGTGCCCACCTTCTCCAGAGGGTGGGCAGGGCAGAAACCCAAAA-3'

ClinVar aggregate classification (germline): Benign. Review status: criteria provided, multiple submitters, no conflicts (2 of 4 stars). 2 submissions from 2 submitters: Benign (2). Last evaluated 2018-01-13.

Conditions:
Congenital brain dysgenesis due to glutamine synthetase deficiency (GLND). Also called: GLUTAMINE SYNTHASE DEFICIENCY, CONGENITAL SYSTEMIC. Identifiers: Orphanet 71278, MedGen C1864910, MONDO:0012393, OMIM 610015.

Allele frequency attached by ClinVar (database versions not stated): 1000 Genomes Project 30x 0.67926; gnomAD 0.58827 and 0.59051; TOPMed 0.60278; 1000 Genomes Project 0.67033; gnomAD exomes 0.83333.
gnomAD v4.1: 89,667 of 151,948 alleles (59%); highest among the groups gnomAD compares: East Asian, 83%; 27,364 homozygotes.

Submissions (2):

Illumina Laboratory Services, Illumina
Classification: Benign for Congenital brain dysgenesis due to glutamine synthetase deficiency. Last evaluated: 2018-01-13. Review status: criteria provided, single submitter. Criteria: ICSL Variant Classification Criteria 13 December 2019. Collection method: clinical testing. Allele origin: germline.
Comment: This variant was observed in the ICSL laboratory as part of a predisposition screen in an ostensibly healthy population. It had not been previously curated by ICSL or reported in the Human Gene Mutation Database (HGMD: prior to June 1st, 2018), and was therefore a candidate for classification through an automated scoring system. Utilizing variant allele frequency, disease prevalence and penetrance estimates, and inheritance mode, an automated score was calculated to assess if this variant is too frequent to cause the disease. Based on the score and internal cut-off values, a variant classified as benign is not then subjected to further curation. The score for this variant resulted in a classification of benign for this disease.

Breakthrough Genomics
Classification: Benign. Review status: criteria provided, single submitter. Criteria: ACMG Guidelines, 2015. Collection method: not provided. Allele origin: germline. Inheritance: Autosomal recessive inheritance. Affected: yes.